The following is an entry in ClinVar:

NM_004990.4(MARS1):c.1881G>A (p.Glu627=)

Gene: MARS1 (methionyl-tRNA synthetase 1; plus strand). Cytogenetic location: 12q13.3.
Variant type: single nucleotide variant.
Coding change: c.1881G>A on transcript NM_004990.4 (MANE Select); coding-DNA position 1881, G replaced by A.
Protein change: p.Glu627=; no amino-acid change (glutamic acid 627 retained).
Molecular consequence: synonymous variant.
Genome position (GRCh38, 1-based): chr12:57,512,878, G>A. VCF-style: chr12-57512878-G-A. GRCh37 (hg19) VCF-style: chr12-57906661-G-A.
Identifiers: ClinVar variation 512302 (VCV000512302.3), dbSNP rs1555168391, ClinGen allele CA480258794.

ClinVar aggregate classification (germline): Likely benign. Review status: criteria provided, multiple submitters, no conflicts (2 of 4 stars). 2 submissions from 2 submitters: Likely benign (2). Last evaluated 2019-07-11.

Submissions (2):

Ambry Genetics
Classification: Likely benign. Last evaluated: 2019-07-11. Review status: criteria provided, single submitter. Criteria: Ambry Variant Classification Scheme 2023. Collection method: clinical testing. Allele origin: germline.

GeneDx
Classification: Likely benign. Last evaluated: 2017-10-12. Review status: criteria provided, single submitter. Criteria: GeneDx Variant Classification (06012015). Collection method: clinical testing. Allele origin: germline. Affected: yes.
Comment: This variant is considered likely benign or benign based on one or more of the following criteria: it is a conservative change, it occurs at a poorly conserved position in the protein, it is predicted to be benign by multiple in silico algorithms, and/or has population frequency not consistent with disease.